The following is an entry in ClinVar:

NM_000414.4(HSD17B4):c.1724C>G (p.Thr575Ser)

Gene: HSD17B4 (hydroxysteroid 17-beta dehydrogenase 4; plus strand). Cytogenetic location: 5q23.1.
Variant type: single nucleotide variant.
Coding change: c.1724C>G on transcript NM_000414.4 (MANE Select); coding-DNA position 1724, C replaced by G.
Protein change: p.Thr575Ser; replaces threonine 575 with serine.
Molecular consequence: missense variant. On other transcripts: non-coding transcript variant (2).
Genome position (GRCh38, 1-based): chr5:119,527,176, C>G. VCF-style: chr5-119527176-C-G. GRCh37 (hg19) VCF-style: chr5-118862871-C-G.
Other names: c.1799C>G, p.Thr600Ser (NM_001199291.3); c.1670C>G, p.Thr557Ser (NM_001199292.2); c.1652C>G, p.Thr551Ser (NM_001292027.2, NM_001374498.1); c.1304C>G, p.Thr435Ser (NM_001292028.2); c.1715C>G, p.Thr572Ser (NM_001374497.1); c.1397C>G, p.Thr466Ser (NM_001374499.1); c.1283C>G, p.Thr428Ser (NM_001374500.1); c.1313C>G, p.Thr438Ser (NM_001374501.1, NM_001374502.1, NM_001374503.1); short protein forms T428S, T435S, T438S, T466S, T572S, T557S, T551S, T575S.
Identifiers: ClinVar variation 1895498 (VCV001895498.2), dbSNP rs1269109703, ClinGen allele CA360869524.
Genomic context (GRCh38, chr5:119,527,176, plus strand): 5'-ACAATTCTTTTTTAAAGGCTCGTTTTGCAAAACCAGTATATCCAGGACAAACTCTACAAA[C>G]TGAGATGTGGAAGGAAGGAAACAGAATTCATTTTCAAACCAAGGTATGAATTTTGCTTTT-3'
Protein context (NP_000405.1, residues 565-585): KPVYPGQTLQ[Thr575Ser]EMWKEGNRIH

ClinVar aggregate classification (germline): Uncertain significance (1 of 4 stars; one submission).

Conditions:
Bifunctional peroxisomal enzyme deficiency (DBIF). Also called: DBP DEFICIENCY; PBFE DEFICIENCY; D-bifunctional protein deficiency. Identifiers: Orphanet 300, MedGen C0342870, MONDO:0009855, OMIM 261515. Disease mechanism: loss of function.
Perrault syndrome. Also called: Gonadal dysgenesis with auditory dysfunction, autosomal recessive inheritance. Identifiers: Orphanet 2855, MedGen C0685838, MONDO:0017312.

Allele frequency attached by ClinVar (database versions not stated): gnomAD 0.00001.
gnomAD v4.1: 1 of 1,610,398 alleles (0.000062%); highest among the groups gnomAD compares: Non-Finnish European, 0.000085%; no homozygotes.

Submission:

Labcorp Genetics (formerly Invitae), Labcorp
Classification: Uncertain significance for Perrault syndrome; Bifunctional peroxisomal enzyme deficiency. Last evaluated: 2021-08-27. Review status: criteria provided, single submitter. Criteria: Invitae Variant Classification Sherloc (09022015). Collection method: clinical testing. Allele origin: germline.
Comment: This sequence change replaces threonine with serine at codon 575 of the HSD17B4 protein (p.Thr575Ser). The threonine residue is highly conserved and there is a small physicochemical difference between threonine and serine. This variant is not present in population databases (ExAC no frequency). This variant has not been reported in the literature in individuals affected with HSD17B4-related conditions. Advanced modeling of protein sequence and biophysical properties (such as structural, functional, and spatial information, amino acid conservation, physicochemical variation, residue mobility, and thermodynamic stability) performed at Invitae indicates that this missense variant is expected to disrupt HSD17B4 protein function. Algorithms developed to predict the effect of sequence changes on RNA splicing suggest that this variant may create or strengthen a splice site. In summary, the available evidence is currently insufficient to determine the role of this variant in disease. Therefore, it has been classified as a Variant of Uncertain Significance.